The following is an entry in ClinVar:

NM_014991.6(WDFY3):c.1541A>G (p.His514Arg)

Gene: WDFY3 (WD repeat and FYVE domain containing 3; minus strand). Cytogenetic location: 4q21.23.
Variant type: single nucleotide variant.
Coding change: c.1541A>G on transcript NM_014991.6 (MANE Select); coding-DNA position 1541, A replaced by G.
Protein change: p.His514Arg; replaces histidine 514 with arginine.
Molecular consequence: missense variant.
Genome position (GRCh38, 1-based): chr4:84,821,134, T>C on the plus strand (A>G on the coding strand, the complement: WDFY3 is on the minus strand). VCF-style: chr4-84821134-T-C. GRCh37 (hg19) VCF-style: chr4-85742287-T-C.
Other names: short protein forms H514R.
Identifiers: ClinVar variation 2503309 (VCV002503309.1), dbSNP rs1329607074, ClinGen allele CA357571782.

ClinVar aggregate classification (germline): Uncertain significance (1 of 4 stars; one submission).

Allele frequency attached by ClinVar (database versions not stated): gnomAD exomes below 0.00001; gnomAD 0.00001.
gnomAD v4.1: 7 of 1,613,498 alleles (0.00043%); highest among the groups gnomAD compares: African/African-American, 0.004%; no homozygotes.

Submission:

GeneDx
Classification: Uncertain significance. Last evaluated: 2022-11-23. Review status: criteria provided, single submitter. Criteria: GeneDx Variant Classification Process June 2021. Collection method: clinical testing. Allele origin: germline. Affected: yes.
Comment: Not observed at significant frequency in large population cohorts (gnomAD); In silico analysis supports that this missense variant does not alter protein structure/function; Has not been previously published as pathogenic or benign to our knowledge